The following is an entry in ClinVar:

ClinVar aggregate classification (germline): Uncertain significance. Review status: criteria provided, multiple submitters, no conflicts (2 of 4 stars). 2 submissions from 2 submitters: Uncertain significance (2). Last evaluated 2021-05-24.

Conditions:
Autosomal recessive ataxia, Beauce type. Also called: Spinocerebellar ataxia, autosomal recessive 8; ATAXIA, RECESSIVE, OF BEAUCE; SYNE1 Deficiency; SYNE1-Related Autosomal Recessive Cerebellar Ataxia. Identifiers: Orphanet 88644, MedGen C1853116, MONDO:0012549, OMIM 610743.
Emery-Dreifuss muscular dystrophy 4, autosomal dominant (EDMD4). Also called: EMERY-DREIFUSS MUSCULAR DYSTROPHY 4 WITH VARIABLE FEATURES. Identifiers: Orphanet 261, MedGen C2751807, MONDO:0013071, OMIM 612998.

Allele frequency attached by ClinVar (database versions not stated): ExAC 0.00002; gnomAD exomes 0.00002; ESP Exome Variant Server 0.00008; gnomAD 0.00001; TOPMed 0.00001.
gnomAD v4.1: 29 of 1,614,086 alleles (0.0018%); highest among the groups gnomAD compares: African/African-American, 0.004%; no homozygotes.

Submissions (2):

Labcorp Genetics (formerly Invitae), Labcorp
Classification: Uncertain significance for Emery-Dreifuss muscular dystrophy 4, autosomal dominant; Autosomal recessive ataxia, Beauce type. Last evaluated: 2021-05-24. Review status: criteria provided, single submitter. Criteria: Invitae Variant Classification Sherloc (09022015). Collection method: clinical testing. Allele origin: germline.
Comment: This variant has not been reported in the literature in individuals with SYNE1-related conditions. ClinVar contains an entry for this variant (Variation ID: 285823). In summary, the available evidence is currently insufficient to determine the role of this variant in disease. Therefore, it has been classified as a Variant of Uncertain Significance. Algorithms developed to predict the effect of missense changes on protein structure and function are either unavailable or do not agree on the potential impact of this missense change (SIFT: "Deleterious"; PolyPhen-2: "Benign"; Align-GVGD: "Class C35"). This variant is present in population databases (rs368647352, ExAC 0.01%). This sequence change replaces arginine with glutamine at codon 3406 of the SYNE1 protein (p.Arg3406Gln). The arginine residue is highly conserved and there is a small physicochemical difference between arginine and glutamine.

Eurofins Ntd Llc (ga)
Classification: Uncertain significance. Last evaluated: 2016-01-25. Review status: criteria provided, single submitter. Criteria: EGL Classification Definitions 2015. Collection method: clinical testing. Allele origin: germline. Observed: 1 variant allele, 1 heterozygote.

NM_182961.4(SYNE1):c.10196G>A (p.Arg3399Gln)

Gene: SYNE1 (spectrin repeat containing nuclear envelope protein 1; minus strand). Cytogenetic location: 6q25.2.
Variant type: single nucleotide variant.
Coding change: c.10196G>A on transcript NM_182961.4 (MANE Select); coding-DNA position 10196, G replaced by A.
Protein change: p.Arg3399Gln; replaces arginine 3399 with glutamine.
Molecular consequence: missense variant.
Genome position (GRCh38, 1-based): chr6:152,362,273, C>T on the plus strand (G>A on the coding strand, the complement: SYNE1 is on the minus strand). VCF-style: chr6-152362273-C-T. GRCh37 (hg19) VCF-style: chr6-152683408-C-T.
Other names: c.10217G>A, p.Arg3406Gln (NM_033071.5); short protein forms R3406Q, R3399Q.
Identifiers: ClinVar variation 285823 (VCV000285823.12), dbSNP rs368647352, ClinGen allele CA4057029.